The following is an entry in ClinVar:

NM_015909.4(NBAS):c.4000C>G (p.Arg1334Gly)

Gene: NBAS (NBAS subunit of NRZ tethering complex; minus strand). Cytogenetic location: 2p24.3.
Variant type: single nucleotide variant.
Coding change: c.4000C>G on transcript NM_015909.4 (MANE Select); coding-DNA position 4000, C replaced by G.
Protein change: p.Arg1334Gly; replaces arginine 1334 with glycine.
Molecular consequence: missense variant. On other transcripts: non-coding transcript variant (1).
Genome position (GRCh38, 1-based): chr2:15,353,642, G>C on the plus strand (C>G on the coding strand, the complement: NBAS is on the minus strand). VCF-style: chr2-15353642-G-C. GRCh37 (hg19) VCF-style: chr2-15493766-G-C.
Other names: short protein forms R1334G.
Identifiers: ClinVar variation 4819199 (VCV004819199.1).

ClinVar aggregate classification (germline): Uncertain significance (1 of 4 stars; one submission).

Conditions:
Infantile liver failure syndrome 2 (ILFS2). Identifiers: MedGen C3809651, MONDO:0014659, OMIM 616483.

Submission:

Human Genome Sequencing Center Clinical Lab, Baylor College of Medicine
Classification: Uncertain significance for Infantile liver failure syndrome 2. Last evaluated: 2024-10-09. Review status: criteria provided, single submitter. Criteria: ACMG Guidelines, 2015. Collection method: clinical testing. Allele origin: inherited. Affected: yes.
Comment: The c.4000C>G (p.Arg1334Gly) variant in the NBAS gene is located in exon 34. This variant replaces arginine with glycine at codon 1334. To our knowledge, this variant has not been reported in individuals with NBAS-related disorders. This variant is absent in the general population database, gnomAD (v4). The available evidence is insufficient to determine the impact of this variant, therefore, it is classified as a variant of unknown significance.